The following is an entry in ClinVar:

ClinVar aggregate classification (germline): Uncertain significance (1 of 4 stars; one submission).

Conditions:
Schuurs-Hoeijmakers syndrome. Also called: PACS1-Related Neurodevelopmental Disorder. Identifiers: Orphanet 329224, MedGen C3554343, MONDO:0014006, OMIM 615009.

Submission:

Labcorp Genetics (formerly Invitae), Labcorp
Classification: Uncertain significance for Schuurs-Hoeijmakers syndrome. Last evaluated: 2025-01-23. Review status: criteria provided, single submitter. Criteria: Invitae Variant Classification Sherloc (09022015). Collection method: clinical testing. Allele origin: germline.
Comment: This sequence change replaces leucine, which is neutral and non-polar, with proline, which is neutral and non-polar, at codon 924 of the PACS1 protein (p.Leu924Pro). This variant is not present in population databases (gnomAD no frequency). This variant has not been reported in the literature in individuals affected with PACS1-related conditions. Invitae Evidence Modeling of protein sequence and biophysical properties (such as structural, functional, and spatial information, amino acid conservation, physicochemical variation, residue mobility, and thermodynamic stability) indicates that this missense variant is expected to disrupt PACS1 protein function with a positive predictive value of 80%. In summary, the available evidence is currently insufficient to determine the role of this variant in disease. Therefore, it has been classified as a Variant of Uncertain Significance.

NM_018026.4(PACS1):c.2771T>C (p.Leu924Pro)

Gene: PACS1 (phosphofurin acidic cluster sorting protein 1; plus strand). Cytogenetic location: 11q13.2.
Variant type: single nucleotide variant.
Coding change: c.2771T>C on transcript NM_018026.4 (MANE Select); coding-DNA position 2771, T replaced by C.
Protein change: p.Leu924Pro; replaces leucine 924 with proline.
Molecular consequence: missense variant.
Genome position (GRCh38, 1-based): chr11:66,243,026, T>C. VCF-style: chr11-66243026-T-C. GRCh37 (hg19) VCF-style: chr11-66010497-T-C.
Other names: short protein forms L924P.
Identifiers: ClinVar variation 3676639 (VCV003676639.2).
Genomic context (GRCh38, chr11:66,243,026, plus strand): 5'-GCCAGGTCATTGAAGGCATCAGCCGCCTCATCTGCTCAGCCAAGCAGCAGCAGACTATGC[T>C]GAGAGGTGCGAGGGCAGGCAGGGCCGGGAGGAGGGCAAGAAAGGGACTGGAGAGGGAGGC-3'
Protein context (NP_060496.2, residues 914-934): ICSAKQQQTM[Leu924Pro]RVSIDGVEWS